The following is an entry in ClinVar:

NM_001164508.2(NEB):c.3717C>G (p.Ser1239Arg)

Gene: NEB (nebulin; minus strand). Cytogenetic location: 2q23.3.
Variant type: single nucleotide variant.
Coding change: c.3717C>G on transcript NM_001164508.2 (MANE Select); coding-DNA position 3717, C replaced by G.
Protein change: p.Ser1239Arg; replaces serine 1239 with arginine.
Molecular consequence: missense variant.
Genome position (GRCh38, 1-based): chr2:151,677,622, G>C on the plus strand (C>G on the coding strand, the complement: NEB is on the minus strand). VCF-style: chr2-151677622-G-C. GRCh37 (hg19) VCF-style: chr2-152534136-G-C.
Other names: c.3717C>G, p.Ser1239Arg (NM_001164507.2, NM_001271208.2, NM_004543.5); short protein forms S1239R.
Identifiers: ClinVar variation 1343535 (VCV001343535.3), dbSNP rs765671775, ClinGen allele CA57657231.
Genomic context (GRCh38, chr2:151,677,622, plus strand): 5'-CACATCACTGACTTGCTTCGTGTTCTGTTTTGCCTGGACCATAACTGGGGAGTCCACAAT[G>C]CTGGTAAATTTGAGGGTGTCTGGATGTTGCCTGTACTTCTTTTCATTCAGAGCATCACCG-3'
Protein context (NP_001157980.2, residues 1229-1249): RQHPDTLKFT[Ser1239Arg]IVDSPVMVQA

ClinVar aggregate classification (germline): Uncertain significance. Review status: criteria provided, multiple submitters, no conflicts (2 of 4 stars). 2 submissions from 2 submitters: Uncertain significance (2). Last evaluated 2022-02-18.

Conditions:
Nemaline myopathy 2 (NEM2). Also called: Nemaline myopathy 2, autosomal recessive. Identifiers: MedGen C1850569, MONDO:0009725, OMIM 256030.

Allele frequency attached by ClinVar (database versions not stated): gnomAD exomes below 0.00001.
gnomAD v4.1: 3 of 1,613,940 alleles (0.00019%); highest among the groups gnomAD compares: Non-Finnish European, 0.00025%; no homozygotes.

Submissions (2):

Women's Health and Genetics/Laboratory Corporation of America, LabCorp
Classification: Uncertain significance. Last evaluated: 2022-02-18. Review status: criteria provided, single submitter. Criteria: LabCorp Variant Classification Summary - May 2015. Collection method: clinical testing. Allele origin: germline.

Labcorp Genetics (formerly Invitae), Labcorp
Classification: Uncertain significance for Nemaline myopathy 2. Last evaluated: 2021-12-25. Review status: criteria provided, single submitter. Criteria: Invitae Variant Classification Sherloc (09022015). Collection method: clinical testing. Allele origin: germline.
Comment: This sequence change replaces serine, which is neutral and polar, with arginine, which is basic and polar, at codon 1239 of the NEB protein (p.Ser1239Arg). This variant is not present in population databases (gnomAD no frequency). This variant has not been reported in the literature in individuals affected with NEB-related conditions. Algorithms developed to predict the effect of missense changes on protein structure and function are either unavailable or do not agree on the potential impact of this missense change (SIFT: "Deleterious"; PolyPhen-2: "Not Available"; Align-GVGD: "Class C0"). In summary, the available evidence is currently insufficient to determine the role of this variant in disease. Therefore, it has been classified as a Variant of Uncertain Significance.